The following is an entry in ClinVar:

ClinVar aggregate classification (germline): Uncertain significance. Review status: criteria provided, multiple submitters, no conflicts (2 of 4 stars). 2 submissions from 2 submitters: Uncertain significance (2). Last evaluated 2025-05-07.

Conditions:
Inborn genetic diseases. Identifiers: MedGen C0950123, MeSH D030342.
Aicardi-Goutieres syndrome 4. Identifiers: Orphanet 51, MedGen C1835912, MONDO:0012472, OMIM 610333.

Allele frequency attached by ClinVar (database versions not stated): gnomAD 0.00001; 1000 Genomes Project 0.00020; ExAC 0.00002; gnomAD exomes 0.00001; 1000 Genomes Project 30x 0.00016; TOPMed below 0.00001.

Submissions (2):

Ambry Genetics
Classification: Uncertain significance for Inborn genetic diseases. Last evaluated: 2025-05-07. Review status: criteria provided, single submitter. Criteria: Ambry Variant Classification Scheme 2023. Collection method: clinical testing. Allele origin: germline.

Labcorp Genetics (formerly Invitae), Labcorp
Classification: Uncertain significance for Aicardi-Goutieres syndrome 4. Last evaluated: 2022-07-05. Review status: criteria provided, single submitter. Criteria: Invitae Variant Classification Sherloc (09022015). Collection method: clinical testing. Allele origin: germline.
Comment: This sequence change replaces threonine, which is neutral and polar, with methionine, which is neutral and non-polar, at codon 86 of the RNASEH2A protein (p.Thr86Met). This variant is present in population databases (rs193084598, gnomAD 0.006%). This variant has not been reported in the literature in individuals affected with RNASEH2A-related conditions. ClinVar contains an entry for this variant (Variation ID: 1353816). Algorithms developed to predict the effect of missense changes on protein structure and function (SIFT, PolyPhen-2, Align-GVGD) all suggest that this variant is likely to be tolerated. In summary, the available evidence is currently insufficient to determine the role of this variant in disease. Therefore, it has been classified as a Variant of Uncertain Significance.

NM_006397.3(RNASEH2A):c.257C>T (p.Thr86Met)

Gene: RNASEH2A (ribonuclease H2 subunit A; plus strand). Cytogenetic location: 19p13.13.
Variant type: single nucleotide variant.
Coding change: c.257C>T on transcript NM_006397.3 (MANE Select); coding-DNA position 257, C replaced by T.
Protein change: p.Thr86Met; replaces threonine 86 with methionine.
Molecular consequence: missense variant.
Genome position (GRCh38, 1-based): chr19:12,807,263, C>T. VCF-style: chr19-12807263-C-T. GRCh37 (hg19) VCF-style: chr19-12918077-C-T.
Other names: c.257C>T (NM_006397.2); short protein forms T86M.
Identifiers: ClinVar variation 1353816 (VCV001353816.6), dbSNP rs193084598, ClinGen allele CA9231809.